The following is an entry in ClinVar:

ClinVar aggregate classification (germline): Pathogenic (0 of 4 stars; one submission).

Conditions:
Alport syndrome. Also called: Hemorrhagic familial nephritis; Hemorrhagic hereditary nephritis; Congenital hereditary hematuria. Identifiers: Orphanet 63, MedGen C1567741, MONDO:0018965.

Submission:

Sydney Genome Diagnostics, Children's Hospital Westmead
Classification: Pathogenic for Alport syndrome. Last evaluated: 2018-10-24. Review status: no assertion criteria provided. Collection method: clinical testing. Allele origin: unknown. Affected: yes. Observed: 1 variant allele, 1 hemizygote.
Comment: To our knowledge, this variant has not been previously reported. However, other variants involving the same same amino acid change, c.2677G>C p.(Gly893Arg) and c.2678G>T p.(Gly893Val), have been previously reported in patients with Alport syndrome in the ALPORT database. It is assumed that this variant is pathogenic as it results in substitution of one of the invariant glycine residues in the triple helical domain.

NM_033380.3(COL4A5):c.2678G>C (p.Gly893Ala)

Gene: COL4A5 (collagen type IV alpha 5 chain; plus strand). Cytogenetic location: Xq22.3.
Variant type: single nucleotide variant.
Coding change: c.2678G>C on transcript NM_033380.3 (MANE Select); coding-DNA position 2678, G replaced by C.
Protein change: p.Gly893Ala; replaces glycine 893 with alanine.
Molecular consequence: missense variant.
Genome position (GRCh38, 1-based): chrX:108,621,803, G>C. VCF-style: chrX-108621803-G-C. GRCh37 (hg19) VCF-style: chrX-107865033-G-C.
Other names: c.2678G>C, p.Gly893Ala (NM_000495.5); short protein forms G893A.
Identifiers: ClinVar variation 988158 (VCV000988158.1), dbSNP rs397515496, ClinGen allele CA413851841.